The following is an entry in ClinVar:

NM_015338.6(ASXL1):c.388A>G (p.Thr130Ala)

Gene: ASXL1 (ASXL transcriptional regulator 1; plus strand). Cytogenetic location: 20q11.21.
Variant type: single nucleotide variant.
Coding change: c.388A>G on transcript NM_015338.6 (MANE Select); coding-DNA position 388, A replaced by G.
Protein change: p.Thr130Ala; replaces threonine 130 with alanine.
Molecular consequence: missense variant.
Genome position (GRCh38, 1-based): chr20:32,428,339, A>G. VCF-style: chr20-32428339-A-G. GRCh37 (hg19) VCF-style: chr20-31016142-A-G.
Other names: c.358A>G, p.Thr120Ala (NM_001363734.1); short protein forms T130A, T120A.
Identifiers: ClinVar variation 4825186 (VCV004825186.1).

ClinVar aggregate classification (germline): Uncertain significance (1 of 4 stars; one submission).

Conditions:
Inborn genetic diseases. Identifiers: MedGen C0950123, MeSH D030342.

Submission:

Ambry Genetics
Classification: Uncertain significance for Inborn genetic diseases. Last evaluated: 2026-01-18. Review status: criteria provided, single submitter. Criteria: Ambry Variant Classification Scheme 2023. Collection method: clinical testing. Allele origin: germline.
Comment: The p.T130A variant (also known as c.388A>G), located in coding exon 6 of the ASXL1 gene, results from an A to G substitution at nucleotide position 388. The threonine at codon 130 is replaced by alanine, an amino acid with similar properties. This amino acid position is conserved. In addition, this alteration is predicted to be tolerated by in silico analysis. Based on the available evidence, the clinical significance of this variant remains unclear.